The following is an entry in ClinVar:

NM_006767.4(LZTR1):c.1304G>T (p.Arg435Leu)

Gene: LZTR1 (leucine zipper like post translational regulator 1; plus strand). Cytogenetic location: 22q11.21.
Variant type: single nucleotide variant.
Coding change: c.1304G>T on transcript NM_006767.4 (MANE Select); coding-DNA position 1304, G replaced by T.
Protein change: p.Arg435Leu; replaces arginine 435 with leucine.
Molecular consequence: missense variant.
Genome position (GRCh38, 1-based): chr22:20,993,705, G>T. VCF-style: chr22-20993705-G-T. GRCh37 (hg19) VCF-style: chr22-21347994-G-T.
Other names: short protein forms R435L.
Identifiers: ClinVar variation 2891223 (VCV002891223.3), dbSNP rs1157807812, ClinGen allele CA410774477.

ClinVar aggregate classification (germline): Uncertain significance (1 of 4 stars; one submission).

Submission:

Labcorp Genetics (formerly Invitae), Labcorp
Classification: Uncertain significance. Last evaluated: 2023-02-04. Review status: criteria provided, single submitter. Criteria: Invitae Variant Classification Sherloc (09022015). Collection method: clinical testing. Allele origin: germline.
Comment: This sequence change replaces arginine, which is basic and polar, with leucine, which is neutral and non-polar, at codon 435 of the LZTR1 protein (p.Arg435Leu). This variant is not present in population databases (gnomAD no frequency). This variant has not been reported in the literature in individuals affected with LZTR1-related conditions. Advanced modeling of protein sequence and biophysical properties (such as structural, functional, and spatial information, amino acid conservation, physicochemical variation, residue mobility, and thermodynamic stability) performed at Invitae indicates that this missense variant is not expected to disrupt LZTR1 protein function. In summary, the available evidence is currently insufficient to determine the role of this variant in disease. Therefore, it has been classified as a Variant of Uncertain Significance.